The following is an entry in ClinVar:

ClinVar aggregate classification (germline): Pathogenic. Review status: reviewed by expert panel (3 of 4 stars). 2 submissions from 2 submitters: Pathogenic (1). 1 of the submissions does not count toward it. Last evaluated 2013-09-05.

Conditions:
Mismatch repair cancer syndrome 1 (MMRCS1). Also called: BRAIN TUMOR-POLYPOSIS SYNDROME 1; BTP1 SYNDROME; CHILDHOOD CANCER SYNDROME; MISMATCH REPAIR DEFICIENCY; MMR DEFICIENCY. Identifiers: Orphanet 252202, MedGen C5399763, MONDO:0010159, OMIM 276300. Disease mechanism: loss of function.
Lynch syndrome. Identifiers: Orphanet 144, MedGen C4552100, MONDO:0005835. Disease mechanism: loss of function.

Submissions (2):

International Society for Gastrointestinal Hereditary Tumours (InSiGHT)
Classification: Pathogenic for Lynch Syndrome. Last evaluated: 2013-09-05. Review status: reviewed by expert panel. Criteria: Guidelines v1.9. Collection method: research. Allele origin: germline.
Comment: Coding sequence variation resulting in a stop codon

Classified with v1.9 guidelines

OMIM
Classification: Pathogenic for MISMATCH REPAIR CANCER SYNDROME 3. Last evaluated: 2007-11-01. Review status: no assertion criteria provided. Collection method: literature only. Allele origin: germline. Not counted in ClinVar's aggregate classification.

Literature cited by the submitters: PubMed 17557300 (cited by OMIM).

NM_000179.3(MSH6):c.1596dup (p.Glu533Ter)

Gene: MSH6 (mutS homolog 6; plus strand). Cytogenetic location: 2p16.3.
Variant type: Duplication.
Coding change: c.1596dup on transcript NM_000179.3 (MANE Select); coding-DNA position 1596, one base duplicated (T; older notation c.1596dupT).
Protein change: p.Glu533Ter; replaces glutamic acid 533 with a stop codon.
Molecular consequence: nonsense.
Genome position (GRCh38, 1-based): chr2:47,799,579, T duplicated. VCF-style (leftmost placement, unchanged base first): chr2-47799578-C-CT. GRCh37 (hg19) VCF-style: chr2-48026717-C-CT.
Other names: c.1206dup, p.Glu403Ter (NM_001281492.2); c.690dup, p.Glu231Ter (NM_001281493.2, NM_001281494.2); short protein forms E533*, E231*, E403*.
Identifiers: ClinVar variation 89205 (VCV000089205.3), dbSNP rs587779217, ClinGen allele CA330372.
Genomic context (GRCh38, chr2:47,799,578, plus strand): 5'-AGATCTGTAGGATCATTACCAAGGGTACACAGACTTACAGTGTGCTGGAAGGTGATCCCT[C>CT]TGAGAACTACAGTAAGTATCTTCTTAGCCTCAAAGAAAAAGAGGAAGATTCTTCTGGCCA-3'